The following is an entry in ClinVar:

ClinVar aggregate classification (germline): Uncertain significance (1 of 4 stars; one submission).

Conditions:
Cone-rod dystrophy 6 (CORD6). Also called: Cone dystrophy progressive; RETINAL CONE DYSTROPHY 2. Identifiers: Orphanet 1872, MedGen C1866293, MONDO:0011143, OMIM 601777.
Leber congenital amaurosis 1 (LCA1). Also called: AMAUROSIS CONGENITA OF LEBER I; RETINAL BLINDNESS, CONGENITAL; Congenital absence of the rods and cones; Leber's congenital tapetoretinal degeneration; Leber's congenital tapetoretinal dysplasia. Identifiers: Orphanet 65, MedGen C2931258, MONDO:0008764, OMIM 204000.

Allele frequency attached by ClinVar (database versions not stated): gnomAD exomes below 0.00001.
gnomAD v4.1: 1 of 1,612,222 alleles (0.000062%); highest among the groups gnomAD compares: Admixed American, 0.0017%; no homozygotes.

Submission:

Labcorp Genetics (formerly Invitae), Labcorp
Classification: Uncertain significance for Leber congenital amaurosis 1; Cone-rod dystrophy 6. Last evaluated: 2024-04-04. Review status: criteria provided, single submitter. Criteria: Invitae Variant Classification Sherloc (09022015). Collection method: clinical testing. Allele origin: germline.
Comment: This sequence change replaces serine, which is neutral and polar, with asparagine, which is neutral and polar, at codon 527 of the GUCY2D protein (p.Ser527Asn). This variant is present in population databases (no rsID available, gnomAD 0.003%). This variant has not been reported in the literature in individuals affected with GUCY2D-related conditions. ClinVar contains an entry for this variant (Variation ID: 1896665). Advanced modeling of protein sequence and biophysical properties (such as structural, functional, and spatial information, amino acid conservation, physicochemical variation, residue mobility, and thermodynamic stability) performed at Invitae indicates that this missense variant is not expected to disrupt GUCY2D protein function with a negative predictive value of 80%. In summary, the available evidence is currently insufficient to determine the role of this variant in disease. Therefore, it has been classified as a Variant of Uncertain Significance.

NM_000180.4(GUCY2D):c.1580G>A (p.Ser527Asn)

Gene: GUCY2D (guanylate cyclase 2D, retinal; plus strand). Cytogenetic location: 17p13.1.
Variant type: single nucleotide variant.
Coding change: c.1580G>A on transcript NM_000180.4 (MANE Select); coding-DNA position 1580, G replaced by A.
Protein change: p.Ser527Asn; replaces serine 527 with asparagine.
Molecular consequence: missense variant.
Genome position (GRCh38, 1-based): chr17:8,007,944, G>A. VCF-style: chr17-8007944-G-A. GRCh37 (hg19) VCF-style: chr17-7911262-G-A.
Other names: short protein forms S527N.
Identifiers: ClinVar variation 1896665 (VCV001896665.5), dbSNP rs1170982522, ClinGen allele CA397949581.
Genomic context (GRCh38, chr17:8,007,944, plus strand): 5'-GACACCAGAATATATTTTGACCTCTTGCATTGACCTCTACCTGCTAGGTGGCCCAGGGGA[G>A]TCGATCAAGTCTGGGTGCCCGCAGCATGTCAGACATTCGCAGCGGCCCCAGCCAACACTT-3'
Protein context (NP_000171.1, residues 517-537): GGTSRKVAQG[Ser527Asn]RSSLGARSMS